The following is an entry in ClinVar:

NM_001035.3(RYR2):c.10913A>C (p.Asp3638Ala)

Gene: RYR2 (ryanodine receptor 2; plus strand). Cytogenetic location: 1q43.
Variant type: single nucleotide variant.
Coding change: c.10913A>C on transcript NM_001035.3 (MANE Select); coding-DNA position 10913, A replaced by C.
Protein change: p.Asp3638Ala; replaces aspartic acid 3638 with alanine.
Molecular consequence: missense variant.
Genome position (GRCh38, 1-based): chr1:237,730,334, A>C. VCF-style: chr1-237730334-A-C. GRCh37 (hg19) VCF-style: chr1-237893634-A-C.
Other names: c.10913A>C, p.Asp3638Ala (LRG_402t1); short protein forms D3638A.
Identifiers: ClinVar variation 418464 (VCV000418464.2), dbSNP rs1064793255, ClinGen allele CA16617106.

ClinVar aggregate classification (germline): Uncertain significance (1 of 4 stars; one submission).

Submission:

GeneDx
Classification: Uncertain significance. Last evaluated: 2017-12-01. Review status: criteria provided, single submitter. Criteria: GeneDx Variant Classification (06012015). Collection method: clinical testing. Allele origin: germline. Affected: yes.
Comment: A variant of uncertain significance has been identified in the RYR2 gene. Nevertheless, the D3638A variant was not observed in approximately 5,900 individuals of European and African American ancestry in the NHLBI Exome Sequencing Project, and was not observed in the Exome Aggregation Consortium (ExAC), indicating it is not a common benign variant in these populations. The D3638A variant is a non-conservative amino acid substitution, which is likely to impact secondary protein structure as these residues differ in polarity, charge, size and/or other properties. Furthermore, this substitution occurs at a position that is conserved across species and in silico analysis predicts this variant is probably damaging to the protein structure/function. However, the D3638A variant is not located in one of the three hot-spot regions of the RYR2 gene, where the majority of pathogenic missense variants occur (Medeiros-Domingo et al., 2009). Additionally, this variant has not been identified in a significant number of affected individuals, and there are no functional studies or segregation data available to clarify the role of this variant in disease. Therefore, based on the currently available information, it is unclear whether this variant is pathogenic or rare benign.